The following is an entry in ClinVar:

ClinVar aggregate classification (germline): Uncertain significance (1 of 4 stars; one submission).

Conditions:
Pallister-Hall syndrome (PHS). Also called: GLI3-Related Pallister-Hall Syndrome; HYPOTHALAMIC HAMARTOBLASTOMA, HYPOPITUITARISM, IMPERFORATE ANUS, AND POSTAXIAL POLYDACTYLY. Identifiers: Orphanet 672, MedGen C0265220, MONDO:0007804, OMIM 146510.
Greig cephalopolysyndactyly syndrome (GCPS). Also called: GLI3-Related Greig Cephalopolysyndactyly Syndrome; POLYSYNDACTYLY WITH PECULIAR SKULL SHAPE; Greig syndrome. Identifiers: Orphanet 380, MedGen C0265306, MONDO:0008287, OMIM 175700.

Allele frequency attached by ClinVar (database versions not stated): gnomAD exomes below 0.00001; ExAC 0.00001.

Submission:

Labcorp Genetics (formerly Invitae), Labcorp
Classification: Uncertain significance for Pallister-Hall syndrome; Greig cephalopolysyndactyly syndrome. Last evaluated: 2023-02-23. Review status: criteria provided, single submitter. Criteria: Invitae Variant Classification Sherloc (09022015). Collection method: clinical testing. Allele origin: germline.
Comment: In summary, the available evidence is currently insufficient to determine the role of this variant in disease. Therefore, it has been classified as a Variant of Uncertain Significance. Advanced modeling of protein sequence and biophysical properties (such as structural, functional, and spatial information, amino acid conservation, physicochemical variation, residue mobility, and thermodynamic stability) performed at Invitae indicates that this missense variant is expected to disrupt GLI3 protein function. This variant has not been reported in the literature in individuals affected with GLI3-related conditions. The frequency data for this variant in the population databases is considered unreliable, as metrics indicate poor data quality at this position in the gnomAD database. This sequence change replaces threonine, which is neutral and polar, with methionine, which is neutral and non-polar, at codon 943 of the GLI3 protein (p.Thr943Met).

NM_000168.6(GLI3):c.2828C>T (p.Thr943Met)

Gene: GLI3 (GLI family zinc finger 3; minus strand). Cytogenetic location: 7p14.1.
Variant type: single nucleotide variant.
Coding change: c.2828C>T on transcript NM_000168.6 (MANE Select); coding-DNA position 2828, C replaced by T.
Protein change: p.Thr943Met; replaces threonine 943 with methionine.
Molecular consequence: missense variant.
Genome position (GRCh38, 1-based): chr7:41,966,245, G>A on the plus strand (C>T on the coding strand, the complement: GLI3 is on the minus strand). VCF-style: chr7-41966245-G-A. GRCh37 (hg19) VCF-style: chr7-42005843-G-A.
Other names: short protein forms T943M.
Identifiers: ClinVar variation 2925994 (VCV002925994.3), dbSNP rs778190529, ClinGen allele CA4230518.
Genomic context (GRCh38, chr7:41,966,245, plus strand): 5'-GCATCCCCGAGCAGCGCCAGGCGCGTCTTCAGGCTCATCCTCTCCATGTTGGGCAGGGGC[G>A]TCGGCGGCGGCCCTCCTGTGGCAGCCGCGTACTTGGCCTTGAGGCGGTACTGCTGGGCGG-3'
Protein context (NP_000159.3, residues 933-953): YAAATGGPPP[Thr943Met]PLPNMERMSL